The following is an entry in ClinVar:

NM_001206927.2(DNAH8):c.4401G>A (p.Thr1467=)

Gene: DNAH8 (dynein axonemal heavy chain 8; plus strand). Cytogenetic location: 6p21.2.
Variant type: single nucleotide variant.
Coding change: c.4401G>A on transcript NM_001206927.2 (MANE Select); coding-DNA position 4401, G replaced by A.
Protein change: p.Thr1467=; no amino-acid change (threonine 1467 retained).
Molecular consequence: synonymous variant.
Genome position (GRCh38, 1-based): chr6:38,837,977, G>A. VCF-style: chr6-38837977-G-A. GRCh37 (hg19) VCF-style: chr6-38805753-G-A.
Other names: p.Thr1467=; c.3750G>A, p.Thr1250= (NM_001371.4).
Identifiers: ClinVar variation 238647 (VCV000238647.36), dbSNP rs45622336, ClinGen allele CA3789123.

ClinVar aggregate classification (germline): Benign/Likely benign. Review status: criteria provided, multiple submitters, no conflicts (2 of 4 stars). 3 submissions from 3 submitters: Benign (2); Likely benign (1). Last evaluated 2026-02-01.

Conditions:
Primary ciliary dyskinesia. Also called: Ciliary dyskinesia. Identifiers: Orphanet 244, MedGen C0008780, MONDO:0016575, HP:0012265.

Allele frequency attached by ClinVar (database versions not stated): 1000 Genomes Project 30x 0.00219; 1000 Genomes Project 0.00220; gnomAD 0.00347; TOPMed 0.00447; ESP Exome Variant Server 0.00661.
gnomAD v4.1: 10,943 of 1,612,986 alleles (0.68%); highest among the groups gnomAD compares: Non-Finnish European, 0.86%; 60 homozygotes.

Submissions (3):

Labcorp Genetics (formerly Invitae), Labcorp
Classification: Benign for Primary ciliary dyskinesia. Last evaluated: 2026-02-01. Review status: criteria provided, single submitter. Criteria: Invitae Variant Classification Sherloc (09022015). Collection method: clinical testing. Allele origin: germline.

CeGaT Center for Human Genetics Tuebingen
Classification: Likely benign. Last evaluated: 2026-01-01. Review status: criteria provided, single submitter. Criteria: CeGaT Center For Human Genetics Tuebingen Variant Classification Criteria Version 2. Collection method: clinical testing. Allele origin: germline. Affected: yes. Observed: 4 variant alleles.
Comment: DNAH8: BP4, BP7, BS2

Mayo Clinic Laboratories, Mayo Clinic
Classification: Benign. Last evaluated: 2025-07-31. Review status: criteria provided, single submitter. Criteria: ACMG Guidelines, 2015. Collection method: clinical testing. Allele origin: germline. Observed: 4 variant alleles.
Comment: BS1, BS2, BP4, BP7